The following is an entry in ClinVar:

NM_005235.3(ERBB4):c.3926A>G (p.Ter1309=)

Gene: ERBB4 (erb-b2 receptor tyrosine kinase 4; minus strand). Cytogenetic location: 2q34.
Variant type: single nucleotide variant.
Coding change: c.3926A>G on transcript NM_005235.3 (MANE Select); coding-DNA position 3926, A replaced by G.
Protein change: p.Ter1309=.
Molecular consequence: synonymous variant.
Genome position (GRCh38, 1-based): chr2:211,383,616, T>C on the plus strand (A>G on the coding strand, the complement: ERBB4 is on the minus strand). VCF-style: chr2-211383616-T-C. GRCh37 (hg19) VCF-style: chr2-212248341-T-C.
Other names: c.3878A>G, p.Ter1293= (NM_001042599.2).
Identifiers: ClinVar variation 2873593 (VCV002873593.3), dbSNP rs2062616835, ClinGen allele CA431102855.
Genomic context (GRCh38, chr2:211,383,616, plus strand): 5'-GAGGGGGGTGGGGAAATTGGAGCAGGTGTGTCTCTCCACCTAAAAAACCACAACTGAGCT[T>C]ACACCACAGTATTCCGGTGTCTGTAAGGTGGAGGCGGCAGCACAGTGCCTGGCTTCAGGG-3'

ClinVar aggregate classification (germline): Uncertain significance (1 of 4 stars; one submission).

Allele frequency attached by ClinVar (database versions not stated): TOPMed below 0.00001.

Submission:

Labcorp Genetics (formerly Invitae), Labcorp
Classification: Uncertain significance. Last evaluated: 2022-10-21. Review status: criteria provided, single submitter. Criteria: Invitae Variant Classification Sherloc (09022015). Collection method: clinical testing. Allele origin: germline.
Comment: In summary, the available evidence is currently insufficient to determine the role of this variant in disease. Therefore, it has been classified as a Variant of Uncertain Significance. Algorithms developed to predict the effect of sequence changes on RNA splicing suggest that this variant may disrupt the consensus splice site. This variant has not been reported in the literature in individuals affected with ERBB4-related conditions. This variant is not present in population databases (gnomAD no frequency). This sequence change affects codon 1309 of the ERBB4 mRNA. It is a 'silent' change, meaning that it does not change the encoded amino acid sequence of the ERBB4 protein.